The following is an entry in ClinVar:

NM_005559.4(LAMA1):c.6541G>A (p.Asp2181Asn)

Gene: LAMA1 (laminin subunit alpha 1; minus strand). Cytogenetic location: 18p11.31.
Variant type: single nucleotide variant.
Coding change: c.6541G>A on transcript NM_005559.4 (MANE Select); coding-DNA position 6541, G replaced by A.
Protein change: p.Asp2181Asn; replaces aspartic acid 2181 with asparagine.
Molecular consequence: missense variant.
Genome position (GRCh38, 1-based): chr18:6,974,985, C>T on the plus strand (G>A on the coding strand, the complement: LAMA1 is on the minus strand). VCF-style: chr18-6974985-C-T. GRCh37 (hg19) VCF-style: chr18-6974984-C-T.
Other names: short protein forms D2181N.
Identifiers: ClinVar variation 1416553 (VCV001416553.8), dbSNP rs765514677, ClinGen allele CA8881191.

ClinVar aggregate classification (germline): Uncertain significance (1 of 4 stars; one submission).

Allele frequency attached by ClinVar (database versions not stated): gnomAD exomes 0.00001; TOPMed 0.00001; ExAC 0.00002.
gnomAD v4.1: 4 of 1,614,022 alleles (0.00025%); highest among the groups gnomAD compares: Admixed American, 0.0033%; no homozygotes.

Submission:

Labcorp Genetics (formerly Invitae), Labcorp
Classification: Uncertain significance. Last evaluated: 2021-05-10. Review status: criteria provided, single submitter. Criteria: Invitae Variant Classification Sherloc (09022015). Collection method: clinical testing. Allele origin: germline.
Comment: This sequence change replaces aspartic acid with asparagine at codon 2181 of the LAMA1 protein (p.Asp2181Asn). The aspartic acid residue is moderately conserved and there is a small physicochemical difference between aspartic acid and asparagine. This variant is present in population databases (rs765514677, ExAC 0.009%). This variant has not been reported in the literature in individuals with LAMA1-related conditions. Algorithms developed to predict the effect of missense changes on protein structure and function are either unavailable or do not agree on the potential impact of this missense change (SIFT: "Tolerated"; PolyPhen-2: "Probably Damaging"; Align-GVGD: "Class C0"). In summary, the available evidence is currently insufficient to determine the role of this variant in disease. Therefore, it has been classified as a Variant of Uncertain Significance.